The following is an entry in ClinVar:

NM_000035.4(ALDOB):c.853A>C (p.Asn285His)

Gene: ALDOB (aldolase, fructose-bisphosphate B; minus strand). Cytogenetic location: 9q31.1.
Variant type: single nucleotide variant.
Coding change: c.853A>C on transcript NM_000035.4 (MANE Select); coding-DNA position 853, A replaced by C.
Protein change: p.Asn285His; replaces asparagine 285 with histidine.
Molecular consequence: missense variant.
Genome position (GRCh38, 1-based): chr9:101,424,989, T>G on the plus strand (A>C on the coding strand, the complement: ALDOB is on the minus strand). VCF-style: chr9-101424989-T-G. GRCh37 (hg19) VCF-style: chr9-104187271-T-G.
Other names: c.853A>C, p.Asn285His (LRG_1244t1); c.853A>C (NM_000035.3); short protein forms N285H.
Identifiers: ClinVar variation 594767 (VCV000594767.7), dbSNP rs781725589, ClinGen allele CA5161443.

ClinVar aggregate classification (germline): Uncertain significance. Review status: criteria provided, multiple submitters, no conflicts (2 of 4 stars). 2 submissions from 2 submitters: Uncertain significance (2). Last evaluated 2021-02-12.

Conditions:
Inborn genetic diseases. Identifiers: MedGen C0950123, MeSH D030342.

Allele frequency attached by ClinVar (database versions not stated): TOPMed 0.00003; gnomAD 0.00004 and 0.00005.

Submissions (2):

Ambry Genetics
Classification: Uncertain significance for Inborn genetic diseases. Last evaluated: 2021-02-12. Review status: criteria provided, single submitter. Criteria: Ambry Variant Classification Scheme 2023. Collection method: clinical testing. Allele origin: germline.
Comment: The c.853A>C (p.N285H) alteration is located in exon 8 (coding exon 7) of the ALDOB gene. This alteration results from a A to C substitution at nucleotide position 853, causing the asparagine (N) at amino acid position 285 to be replaced by a histidine (H). The p.N285H alteration is predicted to be tolerated by in silico analysis. Based on insufficient or conflicting evidence, the clinical significance of this alteration remains unclear.

Eurofins Ntd Llc (ga)
Classification: Uncertain significance. Last evaluated: 2017-11-01. Review status: criteria provided, single submitter. Criteria: EGL Classification Definitions 2015. Collection method: clinical testing. Allele origin: germline. Observed: 1 variant allele, 1 heterozygote.